The following is an entry in ClinVar:

NM_003718.5(CDK13):c.2235T>C (p.Phe745=)

Gene: CDK13 (cyclin dependent kinase 13; plus strand). Cytogenetic location: 7p14.1.
Variant type: single nucleotide variant.
Coding change: c.2235T>C on transcript NM_003718.5 (MANE Select); coding-DNA position 2235, T replaced by C.
Protein change: p.Phe745=; no amino-acid change (phenylalanine 745 retained).
Molecular consequence: synonymous variant.
Genome position (GRCh38, 1-based): chr7:40,001,913, T>C. VCF-style: chr7-40001913-T-C. GRCh37 (hg19) VCF-style: chr7-40041512-T-C.
Other names: c.2235T>C, p.Phe745= (NM_031267.4).
Identifiers: ClinVar variation 3771296 (VCV003771296.13).
Genomic context (GRCh38, chr7:40,001,913, plus strand): 5'-CTTAATAGGAGAAATGGTAGCCTTAAAAAAAGTACGTCTGGATAATGAAAAGGAAGGCTT[T>C]CCAATTACAGCAATTCGAGAAATTAAAATTCTCCGGCAGCTTACCCATCAGAGTATTATC-3'
Protein context (NP_003709.3, residues 735-755): KVRLDNEKEG[Phe745=]PITAIREIKI

ClinVar aggregate classification (germline): Likely benign (1 of 4 stars; one submission).

gnomAD v4.1: 4 of 1,611,394 alleles (0.00025%); highest among the groups gnomAD compares: Non-Finnish European, 0.00025%; no homozygotes.

Submission:

CeGaT Center for Human Genetics Tuebingen
Classification: Likely benign. Last evaluated: 2024-12-01. Review status: criteria provided, single submitter. Criteria: CeGaT Center For Human Genetics Tuebingen Variant Classification Criteria Version 2. Collection method: clinical testing. Allele origin: germline. Affected: yes. Observed: 1 variant allele.
Comment: CDK13: BP4, BP7